The following is an entry in ClinVar:

NM_001267550.2(TTN):c.83450del (p.Thr27817fs)

Genes: TTN-AS1 (TTN antisense RNA 1; plus strand), TTN (titin; minus strand). Cytogenetic location: 2q31.2.
Variant type: Deletion.
Coding change: c.83450del on transcript NM_001267550.2 (MANE Select); coding-DNA position 83450, one base deleted (C; older notation c.83450delC).
Protein change: p.Thr27817fs; shifts the reading frame from threonine 27817.
Molecular consequence: frameshift variant.
Genome position (GRCh38, 1-based): chr2:178,562,682, G deleted on the plus strand (C on the coding strand, the reverse complement: TTN is on the minus strand). VCF-style (leftmost placement, unchanged base first): chr2-178562681-TG-T. GRCh37 (hg19) VCF-style: chr2-179427408-TG-T.
Other names: c.78527del, p.Thr26176fs (NM_001256850.1); c.56255del, p.Thr18752fs (NM_003319.4); c.75746del, p.Thr25249fs (NM_133378.4); c.56630del, p.Thr18877fs (NM_133432.3); c.56831del, p.Thr18944fs (NM_133437.4); short protein forms T18877fs, T18944fs, T26176fs, T27817fs, T25249fs, T18752fs.
Identifiers: ClinVar variation 4785733 (VCV004785733.1).
Genomic context (GRCh38, chr2:178,562,681, plus strand): 5'-GTAGTAAGAACATCCTTCTTGTAGATTTTCAATTCTGAAAGTAGTTTTAGTGCAATTATT[TG>T]TAATGGTAGCATAGGCTTTTCTTGTAGTTTCTCGTTTTTCGACAATGTAGTTTGTAATCT-3'

ClinVar aggregate classification (germline): Likely pathogenic (1 of 4 stars; one submission).

Conditions:
Autosomal recessive limb-girdle muscular dystrophy type 2J (LGMDR10). Also called: Limb-girdle muscular dystrophy, type 2J; MUSCULAR DYSTROPHY, LIMB-GIRDLE, AUTOSOMAL RECESSIVE 10. Identifiers: Orphanet 140922, MedGen C1837342, MONDO:0012127, OMIM 608807.
Dilated cardiomyopathy 1G (CMD1G). Identifiers: Orphanet 154, MedGen C1858763, MONDO:0011400, OMIM 604145.

Submission:

Labcorp Genetics (formerly Invitae), Labcorp
Classification: Likely pathogenic for Dilated cardiomyopathy 1G; Autosomal recessive limb-girdle muscular dystrophy type 2J. Last evaluated: 2025-07-30. Review status: criteria provided, single submitter. Criteria: Invitae Variant Classification Sherloc (09022015). Collection method: clinical testing. Allele origin: germline.
Comment: This sequence change creates a premature translational stop signal (p.Thr27817Lysfs*54) in the TTN gene. While this is not anticipated to result in nonsense mediated decay, it is expected to create a truncated TTN protein. This variant is not present in population databases (gnomAD no frequency). This variant has not been reported in the literature in individuals affected with TTN-related conditions. This variant is located in the A band of TTN (PMID: 25589632). Truncating variants in this region are significantly overrepresented in patients affected with dilated cardiomyopathy (PMID: 25589632). Truncating variants in this region have also been reported in individuals affected with autosomal recessive centronuclear myopathy (PMID: 23975875). In summary, the currently available evidence indicates that the variant is pathogenic, but additional data are needed to prove that conclusively. Therefore, this variant has been classified as Likely Pathogenic.

Literature cited by the submitters: PubMed 25589632; PubMed 23975875.